The following is an entry in ClinVar:

NM_001170535.3(ATAD3A):c.1266C>T (p.Thr422=)

Gene: ATAD3A (ATPase family AAA domain containing 3A; plus strand). Cytogenetic location: 1p36.33.
Variant type: single nucleotide variant.
Coding change: c.1266C>T on transcript NM_001170535.3 (MANE Select); coding-DNA position 1266, C replaced by T.
Protein change: p.Thr422=; no amino-acid change (threonine 422 retained).
Molecular consequence: synonymous variant.
Genome position (GRCh38, 1-based): chr1:1,525,291, C>T. VCF-style: chr1-1525291-C-T. GRCh37 (hg19) VCF-style: chr1-1460671-C-T.
Other names: c.1029C>T, p.Thr343= (NM_001170536.3); c.1410C>T, p.Thr470= (NM_018188.5).
Identifiers: ClinVar variation 713029 (VCV000713029.30), dbSNP rs149995099, ClinGen allele CA526293.
Genomic context (GRCh38, chr1:1,525,291, plus strand): 5'-CGTTCACAGCCTCCTGCTCTTTGTGGATGAAGCGGACGCCTTCCTTCGGAAGCGAGCCAC[C>T]GTGAGTGTCACTAAGCCTCTGGCCACAATGGGGTGGTGGGGTGGGCACAGCCGTCTGCCT-3'
Protein context (NP_001164006.1, residues 412-432): EADAFLRKRA[Thr422=]EKISEDLRAT

ClinVar aggregate classification (germline): Likely benign. Review status: criteria provided, multiple submitters, no conflicts (2 of 4 stars). 4 submissions from 4 submitters: Likely benign (4). Last evaluated 2026-03-01.

Allele frequency attached by ClinVar (database versions not stated): ExAC 0.00055; ESP Exome Variant Server 0.00069; 1000 Genomes Project 0.00100; gnomAD 0.00105; 1000 Genomes Project 30x 0.00109; TOPMed 0.00123.
gnomAD v4.1: 692 of 1,613,386 alleles (0.043%); highest among the groups gnomAD compares: African/African-American, 0.39%; 1 homozygote.

Submissions (4):

CeGaT Center for Human Genetics Tuebingen
Classification: Likely benign. Last evaluated: 2026-03-01. Review status: criteria provided, single submitter. Criteria: CeGaT Center For Human Genetics Tuebingen Variant Classification Criteria Version 2. Collection method: clinical testing. Allele origin: germline. Affected: yes. Observed: 5 variant alleles.
Comment: ATAD3A: BP4, BP7

Blueprint Genetics
Classification: Likely benign. Last evaluated: 2024-10-28. Review status: criteria provided, single submitter. Criteria: ACMG Guidelines, 2015. Collection method: clinical testing. Allele origin: germline.

Labcorp Genetics (formerly Invitae), Labcorp
Classification: Likely benign. Last evaluated: 2019-12-31. Review status: criteria provided, single submitter. Criteria: Invitae Variant Classification Sherloc (09022015). Collection method: clinical testing. Allele origin: germline.

Breakthrough Genomics
Classification: Likely benign. Review status: criteria provided, single submitter. Criteria: ACMG Guidelines, 2015. Collection method: not provided. Allele origin: germline. Inheritance: Autosomal recessive inheritance. Affected: yes.